The following is an entry in ClinVar:

ClinVar aggregate classification (germline): Uncertain significance. Review status: criteria provided, multiple submitters, no conflicts (2 of 4 stars). 2 submissions from 2 submitters: Uncertain significance (2). Last evaluated 2026-08-08.

Conditions:
Cardiovascular phenotype. Identifiers: MedGen CN230736.
LIPA-related disorder. Also called: LIPA-related condition; LIPA-related disorders.

gnomAD v4.1: 2 of 1,612,638 alleles (0.00012%); highest among the groups gnomAD compares: East Asian, 0.0045%; no homozygotes.

Submissions (2):

Ambry Genetics
Classification: Uncertain significance for Cardiovascular phenotype. Last evaluated: 2026-08-08. Review status: criteria provided, single submitter. Criteria: Ambry Variant Classification Scheme 2023. Collection method: clinical testing. Allele origin: germline.
Comment: The p.R386S variant (also known as c.1158G>T), located in coding exon 9 of the LIPA gene, results from a G to T substitution at nucleotide position 1158. The arginine at codon 386 is replaced by serine, an amino acid with dissimilar properties. This amino acid position is conserved. In addition, this alteration is predicted to be tolerated by in silico analysis. Based on the available evidence, the clinical significance of this variant remains unclear.

PreventionGenetics, part of Exact Sciences
Classification: Uncertain significance for LIPA-related condition. Last evaluated: 2025-03-13. Review status: criteria provided, single submitter. Criteria: ACMG Guidelines, 2015. Collection method: clinical testing. Allele origin: germline.
Comment: The LIPA c.1158G>T variant is predicted to result in the amino acid substitution p.Arg386Ser. To our knowledge, this variant has not been reported in the literature. This variant is reported in 0.020% of alleles in individuals of East Asian descent in gnomAD. At this time, the clinical significance of this variant is uncertain due to the absence of conclusive functional and genetic evidence.

NM_000235.4(LIPA):c.1158G>T (p.Arg386Ser)

Gene: LIPA (lipase A, lysosomal acid type; minus strand). Cytogenetic location: 10q23.31.
Variant type: single nucleotide variant.
Coding change: c.1158G>T on transcript NM_000235.4 (MANE Select); coding-DNA position 1158, G replaced by T.
Protein change: p.Arg386Ser; replaces arginine 386 with serine.
Molecular consequence: missense variant.
Genome position (GRCh38, 1-based): chr10:89,214,870, C>A on the plus strand (G>T on the coding strand, the complement: LIPA is on the minus strand). VCF-style: chr10-89214870-C-A. GRCh37 (hg19) VCF-style: chr10-90974627-C-A.
Other names: c.1158G>T, p.Arg386Ser (NM_001127605.3); c.810G>T, p.Arg270Ser (NM_001288979.2); c.1158G>T (NM_000235.3); short protein forms R270S, R386S.
Identifiers: ClinVar variation 2556871 (VCV002556871.4), dbSNP rs529668674, ClinGen allele CA5593499.